The following is an entry in ClinVar:

ClinVar aggregate classification (germline): Likely benign (0 of 4 stars; one submission).

Conditions:
PLXNA2-related disorder. Also called: PLXNA2-related condition.

gnomAD v4.1: 8 of 1,614,136 alleles (0.0005%); highest among the groups gnomAD compares: Non-Finnish European, 0.00068%; no homozygotes.

Submission:

PreventionGenetics, part of Exact Sciences
Classification: Likely benign for PLXNA2-related condition. Last evaluated: 2024-08-23. Review status: no assertion criteria provided. Collection method: clinical testing. Allele origin: germline.
Comment: This variant is classified as likely benign based on ACMG/AMP sequence variant interpretation guidelines (Richards et al. 2015 PMID: 25741868, with internal and published modifications).

NM_025179.4(PLXNA2):c.1830G>A (p.Gln610=)

Gene: PLXNA2 (plexin A2; minus strand). Cytogenetic location: 1q32.2.
Variant type: single nucleotide variant.
Coding change: c.1830G>A on transcript NM_025179.4 (MANE Select); coding-DNA position 1830, G replaced by A.
Protein change: p.Gln610=; no amino-acid change (glutamine 610 retained).
Molecular consequence: synonymous variant.
Genome position (GRCh38, 1-based): chr1:208,096,785, C>T on the plus strand (G>A on the coding strand, the complement: PLXNA2 is on the minus strand). VCF-style: chr1-208096785-C-T. GRCh37 (hg19) VCF-style: chr1-208270130-C-T.
Identifiers: ClinVar variation 3345000 (VCV003345000.1).
Genomic context (GRCh38, chr1:208,096,785, plus strand): 5'-CTTACCTTGATCCAGCGGGATGACAGGGACATCCTTGGGCCCAGGTGAGATGCAGATGAC[C>T]TGGCTCCCGGACACCTGCCCCTCCACCTCTGTCAGGTTCCCAAAGGCACAGGCGATACCC-3'
Protein context (NP_079455.3, residues 600-620): TEVEGQVSGS[Gln610=]VICISPGPKD